The following is an entry in ClinVar:

NM_000535.7(PMS2):c.2521del (p.Trp841fs)

Gene: PMS2 (PMS1 homolog 2, mismatch repair system component; minus strand). Cytogenetic location: 7p22.1.
Variant type: Deletion.
Coding change: c.2521del on transcript NM_000535.7 (MANE Select); coding-DNA position 2521, one base deleted (T; older notation c.2521delT).
Protein change: p.Trp841fs; shifts the reading frame from tryptophan 841.
Molecular consequence: frameshift variant. On other transcripts: non-coding transcript variant (1).
Genome position (GRCh38, 1-based): chr7:5,973,467, A deleted on the plus strand (T on the coding strand, the reverse complement: PMS2 is on the minus strand). VCF-style (leftmost placement, unchanged base first): chr7-5973466-CA-C. GRCh37 (hg19) VCF-style: chr7-6013097-CA-C.
Other names: c.2116del, p.Trp706fs (NM_001322003.2, NM_001322004.2, NM_001322005.2); c.2365del, p.Trp789fs (NM_001322006.2); c.2203del, p.Trp735fs (NM_001322007.2, NM_001322008.2); c.2149del, p.Trp717fs (NM_001322009.2); c.1960del, p.Trp654fs (NM_001322010.2); c.1588del, p.Trp530fs (NM_001322011.2, NM_001322012.2); c.1948del, p.Trp650fs (NM_001322013.2); c.2554del, p.Trp852fs (NM_001322014.2); and 2 more; short protein forms W530fs, W706fs, W717fs, W735fs, W738fs, W852fs, W650fs, W789fs.
Identifiers: ClinVar variation 265586 (VCV000265586.29), dbSNP rs886039646, ClinGen allele CA10588430.

ClinVar aggregate classification (germline): Pathogenic/Likely pathogenic. Review status: criteria provided, multiple submitters, no conflicts (2 of 4 stars). 9 submissions from 9 submitters: Pathogenic (4); Likely pathogenic (4). 1 of the submissions does not count toward it. Last evaluated 2026-05-05.

Conditions:
Hereditary nonpolyposis colorectal neoplasms. Identifiers: MedGen C0009405, MeSH D003123.
Hereditary cancer-predisposing syndrome. Also called: Neoplastic Syndromes, Hereditary; Hereditary Cancer Syndrome; Tumor predisposition; Hereditary neoplastic syndrome. Identifiers: Orphanet 140162, MedGen C0027672, MeSH D009386, MONDO:0015356.
Lynch syndrome 4 (LYNCH4). Also called: Hereditary non-polyposis colorectal cancer, type 4; Colorectal cancer, hereditary nonpolyposis, type 4. Identifiers: Orphanet 144, MedGen C1838333, MONDO:0013699, OMIM 614337. Disease mechanism: loss of function.
Mismatch repair cancer syndrome 1 (MMRCS1). Also called: BRAIN TUMOR-POLYPOSIS SYNDROME 1; BTP1 SYNDROME; CHILDHOOD CANCER SYNDROME; MISMATCH REPAIR DEFICIENCY; MMR DEFICIENCY. Identifiers: Orphanet 252202, MedGen C5399763, MONDO:0010159, OMIM 276300. Disease mechanism: loss of function.

Allele frequency attached by ClinVar (database versions not stated): TOPMed 0.00001; gnomAD 0.00003 and 0.00004; 1000 Genomes Project 30x 0.00047.

Submissions 1 to 7 of 9:

Institute of Human Genetics, University of Leipzig Medical Center
Classification: Likely pathogenic for Lynch syndrome 4. Last evaluated: 2026-05-05. Review status: criteria provided, single submitter. Criteria: ACMG Guidelines, 2015. Collection method: clinical testing. Allele origin: unknown. Inheritance: Autosomal dominant inheritance. Affected: yes.
Comment: Criteria applied: PVS1_MOD,PM3,PM2_SUP,PP4_SUP

Myriad Genetics, Inc.
Classification: Pathogenic for Lynch syndrome 4. Last evaluated: 2026-03-27. Review status: criteria provided, single submitter. Criteria: Myriad Autosomal Dominant, Autosomal Recessive and X-Linked Classification Criteria (2023). Collection method: clinical testing. Allele origin: unknown.
Comment: This variant is considered pathogenic. This variant creates a frameshift predicted to result in premature protein truncation. This variant has been reported in an individual with clinical features of gene-specific disease [PMID: 30764633].

Labcorp Genetics (formerly Invitae), Labcorp
Classification: Pathogenic for Hereditary nonpolyposis colorectal neoplasms. Last evaluated: 2025-08-31. Review status: criteria provided, single submitter. Criteria: Invitae Variant Classification Sherloc (09022015). Collection method: clinical testing. Allele origin: germline.
Comment: This sequence change creates a premature translational stop signal (p.Trp841Glyfs*10) in the PMS2 gene. While this is not anticipated to result in nonsense mediated decay, it is expected to disrupt the last 22 amino acid(s) of the PMS2 protein. The frequency data for this variant in the population databases (gnomAD) is considered unreliable due to the presence of homologous sequence, such as pseudogenes or paralogs, in the genome. This premature translational stop signal has been observed in individuals with clinical features of constitutional mismatch repair deficiency syndrome and/or clinical features of Lynch syndrome (PMID: 28218421, 30764633; internal data). Invitae Evidence Modeling of clinical and family history, age, sex, and reported ancestry of multiple individuals with this PMS2 variant has been performed. This variant is expected to be pathogenic with a positive predictive value of at least 99%. This is a validated machine learning model that incorporates the clinical features of 1,627,235 individuals referred to our laboratory for PMS2 testing. ClinVar contains an entry for this variant (Variation ID: 265586). Algorithms developed to predict the effect of variants on gene product structure and function are not available or were not evaluated for this variant. Experimental studies have shown that this premature translational stop signal affects PMS2 function (PMID: 26116798). This variant disrupts the MLH1 interaction domain of the PMS2 protein, which has been shown to be critical for PMS2-MLH1 dimerization (PMID: 10037723), and therefore mismatch repair activity (PMID: 16338176, 20533529). While functional studies have not been performed to directly test the effect of this variant on PMS2 protein function, this suggests that disruption of this region of the protein is causative of disease. For these reasons, this variant has been classified as Pathogenic.

Ambry Genetics
Classification: Pathogenic for Hereditary cancer-predisposing syndrome. Last evaluated: 2025-04-03. Review status: criteria provided, single submitter. Criteria: Ambry Variant Classification Scheme 2023. Collection method: clinical testing. Allele origin: germline.
Comment: The c.2521delT pathogenic mutation, located in coding exon 15 of the PMS2 gene, results from a deletion of one nucleotide at nucleotide position 2521, causing a translational frameshift with a predicted alternate stop codon (p.W841Gfs*10). This alteration occurs at the 3' terminus of thePMS2 gene, is not expected to trigger nonsense-mediated mRNA decay, and only impacts the last 22 amino acids of the protein. However, premature stop codons are typically deleterious in nature and the impacted region is critical for protein function (Ambry internal data). This variant has been identified in probands whose Lynch syndrome-associated tumors demonstrated high microsatellite instability and/or loss of PMS2 expression by immunohistochemistry (Ambry internal data). This variant is considered to be rare based on population cohorts in the Genome Aggregation Database (gnomAD). Based on the supporting evidence, this alteration is interpreted as a disease-causing mutation.

ARUP Laboratories, Molecular Genetics and Genomics, ARUP Laboratories
Classification: Likely pathogenic. Last evaluated: 2024-10-16. Review status: criteria provided, single submitter. Criteria: ARUP Molecular Germline Variant Investigation Process 2024. Collection method: clinical testing. Allele origin: germline.
Comment: The PMS2 c.2521del; p.Trp841GlyfsTer10 variant (rs886039646; ClinVar ID: 265586) is reported in the literature in heterozygous individuals with a diagnosis or suspicion of Lynch syndrome (Brand 2020, Wang 2020) and is also reported in the homozygous or compound heterozygous state in individuals with constitutional mismatch repair-deficiency (Bodo 2015, Maletzki 2017, Pavlova 2024). This variant is absent from the Genome Aggregation Database (v2.1.1), indicating it is not a common polymorphism. This variant results in a premature termination codon in the last exon of the PMS2 gene. While this may not lead to nonsense-mediated decay, it is expected to create a truncated protein lacking the final 22 amino acids. Based on available information, this variant is considered to be likely pathogenic. References: Bodo S et al. Diagnosis of Constitutional Mismatch Repair-Deficiency Syndrome Based on Microsatellite Instability and Lymphocyte Tolerance to Methylating Agents. Gastroenterology. 2015 Oct;149(4):1017-29.e3. PMID: 26116798. Brand RE et al. Detection of DNA mismatch repair deficient crypts in random colonoscopic biopsies identifies Lynch syndrome patients. Fam Cancer. 2020 Apr;19(2):169-175. PMID: 31997046. Maletzki C et al. Frameshift mutational target gene analysis identifies similarities and differences in constitutional mismatch repair-deficiency and Lynch syndrome. Mol Carcinog. 2017 Jul;56(7):1753-1764. PMID: 28218421. Palova H et al. Precision immuno-oncology approach for four malignant tumors in siblings with constitutional mismatch repair deficiency syndrome. NPJ Precis Oncol. 2024 May 21;8(1):110. PMID: 38773265. Wang Q et al. Characterisation of heterozygous PMS2 variants in French patients with Lynch syndrome. J Med Genet. 2020 Jul;57(7):487-499. PMID: 31992580.

Baylor Genetics
Classification: Pathogenic for Lynch syndrome 4. Last evaluated: 2024-03-10. Review status: criteria provided, single submitter. Criteria: ACMG Guidelines, 2015. Collection method: clinical testing. Allele origin: unknown.

GeneDx
Classification: Likely pathogenic. Last evaluated: 2024-01-03. Review status: criteria provided, single submitter. Criteria: GeneDx Variant Classification Process June 2021. Collection method: clinical testing. Allele origin: germline. Affected: yes.
Comment: Frameshift variant in the C-terminus predicted to result in protein truncation, as the last 22 amino acids are lost and replaced with 9 incorrect amino acids; Not observed at significant frequency in large population cohorts (gnomAD); This variant is associated with the following publications: (PMID: 26691941, 28218421, 30764633, 30787465, 16338176, 20533529, 10037723, 31992580, Fukui2011[Chapter], 31997046, 31447099, 33948563, 26116798)